The following is an entry in ClinVar:

ClinVar aggregate classification (germline): Uncertain significance (1 of 4 stars; one submission).

Allele frequency attached by ClinVar (database versions not stated): ExAC 0.00001; gnomAD 0.00005; TOPMed 0.00006; ESP Exome Variant Server 0.00008.

Submission:

Labcorp Genetics (formerly Invitae), Labcorp
Classification: Uncertain significance. Last evaluated: 2022-07-23. Review status: criteria provided, single submitter. Criteria: Invitae Variant Classification Sherloc (09022015). Collection method: clinical testing. Allele origin: germline.
Comment: In summary, the available evidence is currently insufficient to determine the role of this variant in disease. Therefore, it has been classified as a Variant of Uncertain Significance. Algorithms developed to predict the effect of missense changes on protein structure and function (SIFT, PolyPhen-2, Align-GVGD) all suggest that this variant is likely to be tolerated. This variant has not been reported in the literature in individuals affected with TELO2-related conditions. This variant is present in population databases (rs369686723, gnomAD 0.02%). This sequence change replaces proline, which is neutral and non-polar, with serine, which is neutral and polar, at codon 469 of the TELO2 protein (p.Pro469Ser).

NM_016111.4(TELO2):c.1405C>T (p.Pro469Ser)

Gene: TELO2 (telomere maintenance 2; plus strand). Cytogenetic location: 16p13.3.
Variant type: single nucleotide variant.
Coding change: c.1405C>T on transcript NM_016111.4 (MANE Select); coding-DNA position 1405, C replaced by T.
Protein change: p.Pro469Ser; replaces proline 469 with serine.
Molecular consequence: missense variant.
Genome position (GRCh38, 1-based): chr16:1,501,706, C>T. VCF-style: chr16-1501706-C-T. GRCh37 (hg19) VCF-style: chr16-1551707-C-T.
Other names: c.1405C>T, p.Pro469Ser (NM_001351846.2); short protein forms P469S.
Identifiers: ClinVar variation 1903196 (VCV001903196.5), dbSNP rs369686723, ClinGen allele CA7812126.